The following is an entry in ClinVar:

NM_032638.5(GATA2):c.1274C>T (p.Ser425Leu)

Gene: GATA2 (GATA binding protein 2; minus strand). Cytogenetic location: 3q21.3.
Variant type: single nucleotide variant.
Coding change: c.1274C>T on transcript NM_032638.5 (MANE Select); coding-DNA position 1274, C replaced by T.
Protein change: p.Ser425Leu; replaces serine 425 with leucine.
Molecular consequence: missense variant.
Genome position (GRCh38, 1-based): chr3:128,481,188, G>A on the plus strand (C>T on the coding strand, the complement: GATA2 is on the minus strand). VCF-style: chr3-128481188-G-A. GRCh37 (hg19) VCF-style: chr3-128200031-G-A.
Other names: c.1274C>T, p.Ser425Leu (NM_001145661.2); c.1232C>T, p.Ser411Leu (NM_001145662.1); short protein forms S425L, S411L.
Identifiers: ClinVar variation 472441 (VCV000472441.24), dbSNP rs146554939, ClinGen allele CA2599809.

ClinVar aggregate classification (germline): Conflicting classifications of pathogenicity. Review status: criteria provided, conflicting classifications (1 of 4 stars). 9 submissions from 9 submitters: Uncertain significance (7); Likely benign (1). 1 of the submissions does not count toward it. Last evaluated 2026-02-20.

Conditions:
GATA2-related disorder. Also called: GATA2-Related Disorders; GATA2-related condition.
Inborn genetic diseases. Identifiers: MedGen C0950123, MeSH D030342.
Deafness-lymphedema-leukemia syndrome. Also called: Emberger syndrome; Lymphedema, primary, with myelodysplasia. Identifiers: Orphanet 3226, MedGen C3279664, MONDO:0013540, OMIM 614038.
Monocytopenia with susceptibility to infections. Also called: IMMUNODEFICIENCY 21; GATA2 DEFICIENCY; MONOCYTOPENIA AND MYCOBACTERIAL INFECTION SYNDROME; MONOCYTOPENIA WITH SUSCEPTIBILITY TO MYCOBACTERIAL, FUNGAL, AND PAPILLOMAVIRUS INFECTIONS AND MYELODYSPLASIA; COMBINED IMMUNODEFICIENCY WITH SUSCEPTIBILITY TO MYCOBACTERIAL, VIRAL, AND FUNGAL INFECTIONS; Dendritic cell, monocyte, B lymphocyte, and natural killer lymphocyte deficiency. Identifiers: Orphanet 228423, MedGen C3280030, MONDO:0013607, OMIM 614172.
Hereditary cancer-predisposing syndrome. Also called: Neoplastic Syndromes, Hereditary; Hereditary neoplastic syndrome; Hereditary Cancer Syndrome; Tumor predisposition. Identifiers: Orphanet 140162, MedGen C0027672, MeSH D009386, MONDO:0015356.
Myelodysplastic syndrome (MDS). Also called: Myelodysplastic syndrome, somatic; Myelodysplastic syndromes; MYELODYSPLASTIC SYNDROME, SUSCEPTIBILITY TO. Identifiers: Orphanet 52688, MedGen C3463824, MeSH D009190, MONDO:0018881, OMIM 614286.
Acute myeloid leukemia (AML). Also called: Leukemia, acute myeloid, somatic; Leukemia, acute myelogenous, somatic; Acute myeloid leukemia, adult; AML adult; Acute non-lymphocytic leukemia; Acute granulocytic leukemia. Identifiers: Orphanet 519, MedGen C0023467, MeSH D015470, MONDO:0018874, OMIM 601626, HP:0004808. Disease mechanism: Constitutively activated FLT3.

Allele frequency attached by ClinVar (database versions not stated): gnomAD exomes 0.00003 and 0.00005; ExAC 0.00004; gnomAD 0.00005 and 0.00006; TOPMed 0.00006; ESP Exome Variant Server 0.00015.
gnomAD v4.1: 80 of 1,614,128 alleles (0.005%); highest among the groups gnomAD compares: Non-Finnish European, 0.0063%; no homozygotes.

Submissions (9):

St. Jude Molecular Pathology, St. Jude Children's Research Hospital
Classification: Uncertain significance for Myelodysplastic syndrome. Last evaluated: 2026-02-20. Review status: criteria provided, single submitter. Criteria: St. Jude Assertion Criteria 2020. Collection method: clinical testing. Allele origin: germline.
Comment: The GATA2 c.1274C>T p.(Ser425Leu) missense change has a maximum subpopulation frequency of 0.007% in gnomAD v2.1.1. The in silico tool REVEL is inconclusive about a pathogenic or benign effect of this variant on protein function, but functional studies have not been performed. This variant has been reported in individuals with myeloid malignancies and acute lymphoblastic leukemia (PMID: 37586297, 26580448). In summary, the evidence curr ently available is insufficient to determine the clinical significance of this variant. It has therefore been classified as of uncertain significance.

Labcorp Genetics (formerly Invitae), Labcorp
Classification: Uncertain significance for Monocytopenia with susceptibility to infections; Deafness-lymphedema-leukemia syndrome. Last evaluated: 2025-12-15. Review status: criteria provided, single submitter. Criteria: Invitae Variant Classification Sherloc (09022015). Collection method: clinical testing. Allele origin: germline.
Comment: This sequence change replaces serine, which is neutral and polar, with leucine, which is neutral and non-polar, at codon 425 of the GATA2 protein (p.Ser425Leu). This variant is present in population databases (rs146554939, gnomAD 0.006%). This variant has not been reported in the literature in individuals affected with GATA2-related conditions. ClinVar contains an entry for this variant (Variation ID: 472441). Invitae Evidence Modeling of protein sequence and biophysical properties (such as structural, functional, and spatial information, amino acid conservation, physicochemical variation, residue mobility, and thermodynamic stability) has been performed for this missense variant. However, the output from this modeling did not meet the statistical confidence thresholds required to predict the impact of this variant on GATA2 protein function. In summary, the available evidence is currently insufficient to determine the role of this variant in disease. Therefore, it has been classified as a Variant of Uncertain Significance.

Genetic Services Laboratory, University of Chicago
Classification: Uncertain significance. Last evaluated: 2025-03-19. Review status: criteria provided, single submitter. Criteria: ACMG Guidelines, 2015. Collection method: clinical testing. Allele origin: germline.
Comment: The c.1274C>T variant: Results in an amino acid change, p.Ser425Leu. Does not appear to have been previously described in individuals with GATA2-related disorders. Reported in the gnomAD v4 database with a frequency of 0.0062% in the European subpopulation (dbSNP rs146554939). Affects a moderately conserved amino acid residue located in a domain of the GATA2 protein that is known to be functional. Appears to be benign using several in-silico pathogenicity prediction tools. ClinVar contains an entry for this variant (Variation ID: 472441). Due to insufficient evidence and the lack of functional studies, the clinical significance of the p.Ser425Leu variant remains unknown at this time.

Ambry Genetics
Classification: Likely benign for Inborn genetic diseases. Last evaluated: 2024-07-19. Review status: criteria provided, single submitter. Criteria: Ambry Variant Classification Scheme 2023. Collection method: clinical testing. Allele origin: germline.

Baylor Genetics
Classification: Uncertain significance for Acute myeloid leukemia. Last evaluated: 2023-10-08. Review status: criteria provided, single submitter. Criteria: ACMG Guidelines, 2015. Collection method: clinical testing. Allele origin: unknown.

GeneDx
Classification: Uncertain significance. Last evaluated: 2023-07-05. Review status: criteria provided, single submitter. Criteria: GeneDx Variant Classification Process June 2021. Collection method: clinical testing. Allele origin: germline. Affected: yes.
Comment: In silico analysis supports that this missense variant does not alter protein structure/function; Has not been previously published as pathogenic or benign to our knowledge

Blueprint Genetics
Classification: Uncertain significance. Last evaluated: 2021-12-14. Review status: criteria provided, single submitter. Criteria: ACMG Guidelines, 2015. Collection method: clinical testing. Allele origin: germline.

Sema4
Classification: Uncertain significance for Hereditary cancer-predisposing syndrome. Last evaluated: 2021-08-07. Review status: criteria provided, single submitter. Criteria: Sema4 Curation Guidelines. Collection method: curation. Allele origin: germline.
Comment: The GATA2 c.1274C>T (p.S425L) variant has not been reported in the literature to our knowledge. This variant was observed in 9/129178 chromosomes in the European (non-Finnish) population, with no homozygotes, according to the Genome Aggregation Database (PMID: 32461654). The variant has been reported in ClinVar (Variation ID 472441). Functional studies have not been performed, and in silico predictions of the variant's effect on protein function are inconclusive. The evidence is insufficient to meet ACMG/AMP criteria for classifying the variant as benign or pathogenic. Thus, the clinical significance of this variant is currently uncertain.

PreventionGenetics, part of Exact Sciences
Classification: Uncertain significance for GATA2-related condition. Last evaluated: 2024-09-12. Review status: no assertion criteria provided. Collection method: clinical testing. Allele origin: germline. Not counted in ClinVar's aggregate classification.
Comment: The GATA2 c.1274C>T variant is predicted to result in the amino acid substitution p.Ser425Leu. To our knowledge, this variant has not been reported in the literature. This variant is reported in 0.0070% of alleles in individuals of European (Non-Finnish) descent in gnomAD and is interpreted as a variant of uncertain significance in ClinVar. At this time, the clinical significance of this variant is uncertain due to the absence of conclusive functional and genetic evidence.